The following is an entry in ClinVar:

ClinVar aggregate classification (germline): Uncertain significance (1 of 4 stars; one submission).

Conditions:
Cardiovascular phenotype. Identifiers: MedGen CN230736.

gnomAD v4.1: 1 of 1,614,012 alleles (0.000062%); highest among the groups gnomAD compares: African/African-American, 0.0013%; no homozygotes.

Submission:

Ambry Genetics
Classification: Uncertain significance for Cardiovascular phenotype. Last evaluated: 2025-12-07. Review status: criteria provided, single submitter. Criteria: Ambry Variant Classification Scheme 2023. Collection method: clinical testing. Allele origin: germline.
Comment: The p.H1641Y variant (also known as c.4921C>T), located in coding exon 26 of the APOB gene, results from a C to T substitution at nucleotide position 4921. The histidine at codon 1641 is replaced by tyrosine, an amino acid with similar properties. This amino acid position is conserved. In addition, the in silico prediction for this alteration is inconclusive. Based on the available evidence, the clinical significance of this variant remains unclear.

NM_000384.3(APOB):c.4921C>T (p.His1641Tyr)

Gene: APOB (apolipoprotein B; minus strand). Cytogenetic location: 2p24.1.
Variant type: single nucleotide variant.
Coding change: c.4921C>T on transcript NM_000384.3 (MANE Select); coding-DNA position 4921, C replaced by T.
Protein change: p.His1641Tyr; replaces histidine 1641 with tyrosine.
Molecular consequence: missense variant.
Genome position (GRCh38, 1-based): chr2:21,011,947, G>A on the plus strand (C>T on the coding strand, the complement: APOB is on the minus strand). VCF-style: chr2-21011947-G-A. GRCh37 (hg19) VCF-style: chr2-21234819-G-A.
Other names: short protein forms H1641Y.
Identifiers: ClinVar variation 4613695 (VCV004613695.1).